The following is an entry in ClinVar:

ClinVar aggregate classification (germline): Uncertain significance (1 of 4 stars; one submission).

Conditions:
Hereditary cancer-predisposing syndrome. Also called: Neoplastic Syndromes, Hereditary; Tumor predisposition; Hereditary Cancer Syndrome; Hereditary neoplastic syndrome. Identifiers: Orphanet 140162, MedGen C0027672, MeSH D009386, MONDO:0015356.

Submission:

Ambry Genetics
Classification: Uncertain significance for Hereditary cancer-predisposing syndrome. Last evaluated: 2026-05-24. Review status: criteria provided, single submitter. Criteria: Ambry Variant Classification Scheme 2023. Collection method: clinical testing. Allele origin: germline.
Comment: The p.T121A variant (also known as c.361A>G), located in coding exon 2 of the BLM gene, results from an A to G substitution at nucleotide position 361. The threonine at codon 121 is replaced by alanine, an amino acid with similar properties. This amino acid position is conserved. In addition, this alteration is predicted to be tolerated by in silico analysis. Based on the available evidence, the clinical significance of this variant remains unclear.

NM_000057.4(BLM):c.361A>G (p.Thr121Ala)

Gene: BLM (BLM RecQ like helicase; plus strand). Cytogenetic location: 15q26.1.
Variant type: single nucleotide variant.
Coding change: c.361A>G on transcript NM_000057.4 (MANE Select); coding-DNA position 361, A replaced by G.
Protein change: p.Thr121Ala; replaces threonine 121 with alanine.
Molecular consequence: missense variant. On other transcripts: 5 prime UTR variant (1).
Genome position (GRCh38, 1-based): chr15:90,749,629, A>G. VCF-style: chr15-90749629-A-G. GRCh37 (hg19) VCF-style: chr15-91292859-A-G.
Other names: c.361A>G, p.Thr121Ala (NM_001287246.2, NM_001287247.2); c.-931A>G (NM_001287248.2); short protein forms T121A.
Identifiers: ClinVar variation 4867464 (VCV004867464.1).